The following is an entry in ClinVar:

NM_004204.5(PIGQ):c.855C>T (p.Asp285=)

Gene: PIGQ (phosphatidylinositol glycan anchor biosynthesis class Q; plus strand). Cytogenetic location: 16p13.3.
Variant type: single nucleotide variant.
Coding change: c.855C>T on transcript NM_004204.5 (MANE Select); coding-DNA position 855, C replaced by T.
Protein change: p.Asp285=; no amino-acid change (aspartic acid 285 retained).
Molecular consequence: synonymous variant.
Genome position (GRCh38, 1-based): chr16:576,167, C>T. VCF-style: chr16-576167-C-T. GRCh37 (hg19) VCF-style: chr16-626167-C-T.
Other names: c.855C>T, p.Asp285= (NM_148920.4).
Identifiers: ClinVar variation 1121361 (VCV001121361.16), dbSNP rs759189005, ClinGen allele CA7780011.

ClinVar aggregate classification (germline): Likely benign. Review status: criteria provided, multiple submitters, no conflicts (2 of 4 stars). 3 submissions from 3 submitters: Likely benign (3). Last evaluated 2025-11-25.

Conditions:
Epilepsy. Also called: Seizure disorder. Identifiers: MedGen C0014544, MeSH D004827, MONDO:0005027.

Allele frequency attached by ClinVar (database versions not stated): gnomAD 0.00001; gnomAD exomes 0.00001; TOPMed 0.00001.
gnomAD v4.1: 14 of 1,549,302 alleles (0.0009%); highest among the groups gnomAD compares: African/African-American, 0.0055%; no homozygotes.

Submissions (3):

Labcorp Genetics (formerly Invitae), Labcorp
Classification: Likely benign for Epilepsy. Last evaluated: 2025-11-25. Review status: criteria provided, single submitter. Criteria: Invitae Variant Classification Sherloc (09022015). Collection method: clinical testing. Allele origin: germline.

CeGaT Center for Human Genetics Tuebingen
Classification: Likely benign. Last evaluated: 2025-11-01. Review status: criteria provided, single submitter. Criteria: CeGaT Center For Human Genetics Tuebingen Variant Classification Criteria Version 2. Collection method: clinical testing. Allele origin: germline. Affected: yes. Observed: 1 variant allele.
Comment: PIGQ: BP4, BP7

Blueprint Genetics
Classification: Likely benign. Last evaluated: 2023-10-20. Review status: criteria provided, single submitter. Criteria: ACMG Guidelines, 2015. Collection method: clinical testing. Allele origin: germline.